The following is an entry in ClinVar:

NM_020812.4(DOCK6):c.4192ATC[1] (p.Ile1399del)

Genes: DOCK6 (dedicator of cytokinesis 6; minus strand), DOCK6-AS1 (DOCK6 antisense RNA 1; plus strand). Cytogenetic location: 19p13.2.
Variant type: Microsatellite.
Coding change: c.4192ATC[1] on transcript NM_020812.4 (MANE Select); one copy of the 3-base unit ATC starting at c.4192; the reference has two copies in a row; one copy, 3 bases deleted.
Protein change: p.Ile1399del; deletes isoleucine 1399.
Molecular consequence: inframe deletion.
Genome position (GRCh38, 1-based): chr19:11,214,559-11,214,561, GAT deleted on the plus strand (ATC on the coding strand, the reverse complement: DOCK6 is on the minus strand); deleting any 3 consecutive bases within chr19:11,214,559-11,214,564 gives the same sequence; the position shown is the placement nearest the transcript's 3' end. VCF-style (leftmost placement, unchanged base first): chr19-11214558-CGAT-C. GRCh37 (hg19) VCF-style: chr19-11325234-CGAT-C.
Other names: c.4297ATC[1], p.Ile1434del (NM_001367830.1); short protein forms I1434del, I1399del.
Identifiers: ClinVar variation 2719865 (VCV002719865.3), dbSNP rs767983548, ClinGen allele CA9206954.
Genomic context (GRCh38, chr19:11,214,558, plus strand): 5'-ACAGGGCACTGCAGTTGGGCTCAGAGCACAAGGCAGATGCTGGATCAAGCCCTACCTGCA[CGAT>C]GATCTCCAGTGTGTCCAGAACCACTAGGCTTGCCTCGGTTGCCAGGTTCCCTTCCACCAA-3'

ClinVar aggregate classification (germline): Uncertain significance (1 of 4 stars; one submission).

Submission:

Labcorp Genetics (formerly Invitae), Labcorp
Classification: Uncertain significance. Last evaluated: 2023-01-12. Review status: criteria provided, single submitter. Criteria: Invitae Variant Classification Sherloc (09022015). Collection method: clinical testing. Allele origin: germline.
Comment: In summary, the available evidence is currently insufficient to determine the role of this variant in disease. Therefore, it has been classified as a Variant of Uncertain Significance. Experimental studies and prediction algorithms are not available or were not evaluated, and the functional significance of this variant is currently unknown. This variant has not been reported in the literature in individuals affected with DOCK6-related conditions. This variant is present in population databases (rs773673484, gnomAD 0.003%). This variant, c.4195_4197del, results in the deletion of 1 amino acid(s) of the DOCK6 protein (p.Ile1399del), but otherwise preserves the integrity of the reading frame.